The following is an entry in ClinVar:

NM_021930.6(RINT1):c.1207G>T (p.Asp403Tyr)

Gene: RINT1 (RAD50 interactor 1; plus strand). Cytogenetic location: 7q22.3.
Variant type: single nucleotide variant.
Coding change: c.1207G>T on transcript NM_021930.6 (MANE Select); coding-DNA position 1207, G replaced by T.
Protein change: p.Asp403Tyr; replaces aspartic acid 403 with tyrosine.
Molecular consequence: missense variant. On other transcripts: non-coding transcript variant (1).
Genome position (GRCh38, 1-based): chr7:105,550,360, G>T. VCF-style: chr7-105550360-G-T. GRCh37 (hg19) VCF-style: chr7-105190807-G-T.
Other names: c.973G>T, p.Asp325Tyr (NM_001346599.2); c.184G>T, p.Asp62Tyr (NM_001346600.2, NM_001346603.2); c.283G>T, p.Asp95Tyr (NM_001346601.2); short protein forms D403Y, D325Y, D95Y, D62Y.
Identifiers: ClinVar variation 2136581 (VCV002136581.4), dbSNP rs1289113738, ClinGen allele CA501176.

ClinVar aggregate classification (germline): Uncertain significance (1 of 4 stars; one submission).

gnomAD v4.1: 8 of 1,614,088 alleles (0.0005%); highest among the groups gnomAD compares: African/African-American, 0.0013%; no homozygotes.

Submission:

Labcorp Genetics (formerly Invitae), Labcorp
Classification: Uncertain significance. Last evaluated: 2022-07-15. Review status: criteria provided, single submitter. Criteria: Invitae Variant Classification Sherloc (09022015). Collection method: clinical testing. Allele origin: germline.
Comment: This sequence change replaces aspartic acid, which is acidic and polar, with tyrosine, which is neutral and polar, at codon 403 of the RINT1 protein (p.Asp403Tyr). This variant is present in population databases (no rsID available, gnomAD 0.0009%). This missense change has been observed in individual(s) with personal and family history of breast cancer (PMID: 25050558). Algorithms developed to predict the effect of missense changes on protein structure and function are either unavailable or do not agree on the potential impact of this missense change (SIFT: "Deleterious"; PolyPhen-2: "Probably Damaging"; Align-GVGD: "Class C15"). In summary, the available evidence is currently insufficient to determine the role of this variant in disease. Therefore, it has been classified as a Variant of Uncertain Significance.

Literature cited by the submitters: PubMed 25050558.